The following is an entry in ClinVar:

ClinVar aggregate classification (germline): Uncertain significance (1 of 4 stars; one submission).

Submission:

Labcorp Genetics (formerly Invitae), Labcorp
Classification: Uncertain significance. Last evaluated: 2024-11-04. Review status: criteria provided, single submitter. Criteria: Invitae Variant Classification Sherloc (09022015). Collection method: clinical testing. Allele origin: germline.
Comment: This sequence change replaces tyrosine, which is neutral and polar, with cysteine, which is neutral and slightly polar, at codon 315 of the POLG2 protein (p.Tyr315Cys). This variant is not present in population databases (gnomAD no frequency). This variant has not been reported in the literature in individuals affected with POLG2-related conditions. An algorithm developed to predict the effect of missense changes on protein structure and function outputs the following: PolyPhen-2: "Benign". The cysteine amino acid residue is found in multiple mammalian species, which suggests that this missense change does not adversely affect protein function. In summary, the available evidence is currently insufficient to determine the role of this variant in disease. Therefore, it has been classified as a Variant of Uncertain Significance.

NM_007215.4(POLG2):c.944A>G (p.Tyr315Cys)

Genes: MILR1 (mast cell immunoglobulin like receptor 1; plus strand), POLG2 (DNA polymerase gamma 2, accessory subunit; minus strand). Cytogenetic location: 17q23.3.
Variant type: single nucleotide variant.
Coding change: c.944A>G on transcript NM_007215.4 (MANE Select); coding-DNA position 944, A replaced by G.
Protein change: p.Tyr315Cys; replaces tyrosine 315 with cysteine.
Molecular consequence: missense variant.
Genome position (GRCh38, 1-based): chr17:64,490,821, T>C on the plus strand (A>G on the coding strand, the complement: POLG2 is on the minus strand). VCF-style: chr17-64490821-T-C. GRCh37 (hg19) VCF-style: chr17-62486938-T-C.
Other names: short protein forms Y315C.
Identifiers: ClinVar variation 3688753 (VCV003688753.2).